The following is an entry in ClinVar:

ClinVar aggregate classification (germline): Pathogenic (1 of 4 stars; one submission).

Conditions:
Mucopolysaccharidosis, MPS-III-B (MPS3B). Also called: N-ACETYL-ALPHA-D-GLUCOSAMINIDASE DEFICIENCY; NAGLU DEFICIENCY; SANFILIPPO SYNDROME B; MPS III B; MUCOPOLYSACCHARIDOSIS, TYPE IIIB; Mucopolysaccharidosis type IIIB (Sanfilippo B). Identifiers: Orphanet 79270, MedGen C0086648, MONDO:0009656, OMIM 252920.

Submission:

Myriad Genetics, Inc.
Classification: Pathogenic for Mucopolysaccharidosis, MPS-III-B. Last evaluated: 2023-09-27. Review status: criteria provided, single submitter. Criteria: Myriad Autosomal Dominant, Autosomal Recessive and X-Linked Classification Criteria (2023). Collection method: clinical testing. Allele origin: unknown.
Comment: NM_000263.3(NAGLU):c.112dupC(R38Pfs*154) is expected to be pathogenic in the context of mucopolysaccharidosis type IIIB. This variant is predicted to lead to an abnormal or absent protein product due to the creation of a premature termination codon in NAGLU, a gene where loss-of-function variants are known to be pathogenic. Please note: this variant was assessed in the context of healthy population screening.

NM_000263.4(NAGLU):c.112dup (p.Arg38fs)

Genes: NAGLU (N-acetyl-alpha-glucosaminidase; plus strand), LOC130060903 (ATAC-STARR-seq lymphoblastoid silent region 8533; plus strand). Cytogenetic location: 17q21.2.
Variant type: Duplication.
Coding change: c.112dup on transcript NM_000263.4 (MANE Select); coding-DNA position 112, one base duplicated (C; older notation c.112dupC).
Protein change: p.Arg38fs; shifts the reading frame from arginine 38.
Molecular consequence: frameshift variant.
Genome position (GRCh38, 1-based): chr17:42,536,384, C duplicated; the last of 3 consecutive C bases (chr17:42,536,382-42,536,384); duplicating any one gives the same sequence. VCF-style (leftmost placement, unchanged base first): chr17-42536381-G-GC. GRCh37 (hg19) VCF-style: chr17-40688399-G-GC.
Other names: short protein forms R38fs.
Identifiers: ClinVar variation 5012165 (VCV005012165.1).
Genomic context (GRCh38, chr17:42,536,381, plus strand): 5'-GGGGCCGGGGGCGCGGCAGGCGACGAGGCCCGGGAGGCGGCGGCCGTGCGGGCGCTCGTG[G>GC]CCCGGCTGCTGGGGCCAGGCCCCGCGGCCGACTTCTCCGTGTCGGTGGAGCGCGCTCTGG-3'